The following is an entry in ClinVar:

NM_000260.4(MYO7A):c.88C>T (p.Leu30Phe)

Gene: MYO7A (myosin VIIA; plus strand). Cytogenetic location: 11q13.5.
Variant type: single nucleotide variant.
Coding change: c.88C>T on transcript NM_000260.4 (MANE Select); coding-DNA position 88, C replaced by T.
Protein change: p.Leu30Phe; replaces leucine 30 with phenylalanine.
Molecular consequence: missense variant.
Genome position (GRCh38, 1-based): chr11:77,142,778, C>T. VCF-style: chr11-77142778-C-T. GRCh37 (hg19) VCF-style: chr11-76853824-C-T.
Other names: c.88C>T, p.Leu30Phe (NM_001127180.2); c.55C>T, p.Leu19Phe (NM_001369365.1); short protein forms L19F, L30F.
Identifiers: ClinVar variation 4536362 (VCV004536362.1).

ClinVar aggregate classification (germline): Uncertain significance (1 of 4 stars; one submission).

Submission:

GeneDx
Classification: Uncertain significance. Last evaluated: 2025-06-06. Review status: criteria provided, single submitter. Criteria: GeneDx Variant Classification Process June 2021. Collection method: clinical testing. Allele origin: germline. Affected: yes.
Comment: Not observed at significant frequency in large population cohorts (gnomAD); In silico analysis suggests that this missense variant does not alter protein structure/function; Has not been previously published as pathogenic or benign to our knowledge